The following is an entry in ClinVar:

ClinVar aggregate classification (germline): Uncertain significance. Review status: criteria provided, multiple submitters, no conflicts (2 of 4 stars). 2 submissions from 2 submitters: Uncertain significance (2). Last evaluated 2022-08-09.

Conditions:
Multiple sulfatase deficiency (MSD). Also called: Mucosulfatidosis; Multiple Sulfatase Deficiency Disease; Sulfatidosis, Juvenile, Austin Type. Identifiers: Orphanet 585, MedGen C0268263, MONDO:0010088, OMIM 272200.

Allele frequency attached by ClinVar (database versions not stated): TOPMed 0.00001; gnomAD 0.00002.
gnomAD v4.1: 31 of 1,613,908 alleles (0.0019%); highest among the groups gnomAD compares: African/African-American, 0.0067%; no homozygotes.

Submissions (2):

Labcorp Genetics (formerly Invitae), Labcorp
Classification: Uncertain significance for Multiple sulfatase deficiency. Last evaluated: 2022-08-09. Review status: criteria provided, single submitter. Criteria: Invitae Variant Classification Sherloc (09022015). Collection method: clinical testing. Allele origin: germline.
Comment: This sequence change replaces threonine, which is neutral and polar, with methionine, which is neutral and non-polar, at codon 227 of the SUMF1 protein (p.Thr227Met). This variant is present in population databases (rs566145117, gnomAD 0.01%). This variant has not been reported in the literature in individuals affected with SUMF1-related conditions. ClinVar contains an entry for this variant (Variation ID: 500426). Algorithms developed to predict the effect of missense changes on protein structure and function are either unavailable or do not agree on the potential impact of this missense change (SIFT: "Deleterious"; PolyPhen-2: "Probably Damaging"; Align-GVGD: "Class C15"). In summary, the available evidence is currently insufficient to determine the role of this variant in disease. Therefore, it has been classified as a Variant of Uncertain Significance.

Eurofins Ntd Llc (ga)
Classification: Uncertain significance. Last evaluated: 2017-02-15. Review status: criteria provided, single submitter. Criteria: EGL Classification Definitions 2015. Collection method: clinical testing. Allele origin: germline. Observed: 1 variant allele, 1 heterozygote.

NM_182760.4(SUMF1):c.680C>T (p.Thr227Met)

Gene: SUMF1 (sulfatase modifying factor 1; minus strand). Cytogenetic location: 3p26.1.
Variant type: single nucleotide variant.
Coding change: c.680C>T on transcript NM_182760.4 (MANE Select); coding-DNA position 680, C replaced by T.
Protein change: p.Thr227Met; replaces threonine 227 with methionine.
Molecular consequence: missense variant.
Genome position (GRCh38, 1-based): chr3:4,418,055, G>A on the plus strand (C>T on the coding strand, the complement: SUMF1 is on the minus strand). VCF-style: chr3-4418055-G-A. GRCh37 (hg19) VCF-style: chr3-4459739-G-A.
Other names: c.605C>T, p.Thr202Met (NM_001164674.2); c.680C>T, p.Thr227Met (NM_001164675.2); short protein forms T227M, T202M.
Identifiers: ClinVar variation 500426 (VCV000500426.6), dbSNP rs566145117, ClinGen allele CA2230499.